The following is an entry in ClinVar:

NC_000008.10:g.(?_24810323)_(24814029_?)dup

Gene: NEFL (neurofilament light chain; minus strand). Cytogenetic location: 8p21.2.
Variant type: Duplication.
Identifiers: ClinVar variation 3245507 (VCV003245507.1).

ClinVar aggregate classification (germline): Uncertain significance (1 of 4 stars; one submission).

Conditions:
Charcot-Marie-Tooth disease type 2E (CMT2E). Also called: CHARCOT-MARIE-TOOTH DISEASE, AXONAL, TYPE 2E; CHARCOT-MARIE-TOOTH NEUROPATHY, TYPE 2E. Identifiers: Orphanet 99939, MedGen C1843225, MONDO:0011894, OMIM 607684.

Submission:

Labcorp Genetics (formerly Invitae), Labcorp
Classification: Uncertain significance for Charcot-Marie-Tooth disease type 2E. Last evaluated: 2023-12-20. Review status: criteria provided, single submitter. Criteria: Invitae Variant Classification Sherloc (09022015). Collection method: clinical testing. Allele origin: unknown.
Comment: A copy number gain of the genomic region encompassing the full coding sequence of the NEFL gene has been identified. The boundaries of this event are unknown as they extend beyond the assayed region for this gene and therefore may encompass additional genes. As the precise location of this event is unknown, it may be in tandem or it may be located elsewhere in the genome. This variant has not been reported in the literature in individuals affected with NEFL-related conditions. In summary, the available evidence is currently insufficient to determine the role of this variant in disease. Therefore, it has been classified as a Variant of Uncertain Significance.